The following is an entry in ClinVar:

NM_001734.5(C1S):c.991C>T (p.Arg331Cys)

Gene: C1S (complement C1s; plus strand). Cytogenetic location: 12p13.31.
Variant type: single nucleotide variant.
Coding change: c.991C>T on transcript NM_001734.5 (MANE Select); coding-DNA position 991, C replaced by T.
Protein change: p.Arg331Cys; replaces arginine 331 with cysteine.
Molecular consequence: missense variant.
Genome position (GRCh38, 1-based): chr12:7,067,042, C>T. VCF-style: chr12-7067042-C-T. GRCh37 (hg19) VCF-style: chr12-7174346-C-T.
Other names: c.991C>T, p.Arg331Cys (NM_201442.4); c.490C>T, p.Arg164Cys (NM_001346850.2); c.991C>T (NM_201442.3); short protein forms R164C, R331C.
Identifiers: ClinVar variation 1694448 (VCV001694448.20), dbSNP rs140488585, ClinGen allele CA6423643.

ClinVar aggregate classification (germline): Uncertain significance. Review status: criteria provided, multiple submitters, no conflicts (2 of 4 stars). 4 submissions from 4 submitters: Uncertain significance (4). Last evaluated 2026-06-23.

Conditions:
C1S-related disorder. Also called: C1S-related condition.
Complement component C1s deficiency. Also called: C1s deficiency; Complement 1s deficiency. Identifiers: MedGen C3151078, MONDO:0013419, OMIM 613783.
Ehlers-Danlos syndrome, periodontal type 2. Identifiers: MedGen C4310681, MONDO:0014954, OMIM 617174.

Allele frequency attached by ClinVar (database versions not stated): ESP Exome Variant Server 0.00008; TOPMed 0.00002; gnomAD 0.00004.
gnomAD v4.1: 69 of 1,608,014 alleles (0.0043%); highest among the groups gnomAD compares: Non-Finnish European, 0.0055%; no homozygotes.

Submissions (4):

PreventionGenetics, part of Exact Sciences
Classification: Uncertain significance for C1S-related condition. Last evaluated: 2026-06-23. Review status: criteria provided, single submitter. Criteria: ACMG Guidelines, 2015. Collection method: clinical testing. Allele origin: germline.
Comment: The C1S c.991C>T variant is predicted to result in the amino acid substitution p.Arg331Cys. To our knowledge, this variant has not been reported in the literature. This variant is reported in 0.0093% of alleles in individuals of European (Non-Finnish) descent in gnomAD. At this time, the clinical significance of this variant is uncertain due to the absence of conclusive functional and genetic evidence.

Labcorp Genetics (formerly Invitae), Labcorp
Classification: Uncertain significance. Last evaluated: 2025-11-30. Review status: criteria provided, single submitter. Criteria: Invitae Variant Classification Sherloc (09022015). Collection method: clinical testing. Allele origin: germline.
Comment: This sequence change replaces arginine, which is basic and polar, with cysteine, which is neutral and slightly polar, at codon 331 of the C1S protein (p.Arg331Cys). This variant is present in population databases (rs140488585, gnomAD 0.009%). This variant has not been reported in the literature in individuals affected with C1S-related conditions. ClinVar contains an entry for this variant (Variation ID: 1694448). Invitae Evidence Modeling of protein sequence and biophysical properties (such as structural, functional, and spatial information, amino acid conservation, physicochemical variation, residue mobility, and thermodynamic stability) indicates that this missense variant is not expected to disrupt C1S protein function with a negative predictive value of 80%. In summary, the available evidence is currently insufficient to determine the role of this variant in disease. Therefore, it has been classified as a Variant of Uncertain Significance.

CeGaT Center for Human Genetics Tuebingen
Classification: Uncertain significance. Last evaluated: 2024-12-01. Review status: criteria provided, single submitter. Criteria: CeGaT Center For Human Genetics Tuebingen Variant Classification Criteria Version 2. Collection method: clinical testing. Allele origin: germline. Affected: yes. Observed: 1 variant allele.
Comment: C1S: PM5:Supporting, BP4

Suma Genomics
Classification: Uncertain significance for Complement component C1s deficiency; Ehlers-Danlos syndrome, periodontal type 2. Review status: criteria provided, single submitter. Criteria: ACMG Guidelines, 2015. Collection method: clinical testing. Allele origin: inherited. Affected: yes.